The following is an entry in ClinVar:

ClinVar aggregate classification (germline): Conflicting classifications of pathogenicity. Review status: criteria provided, conflicting classifications (1 of 4 stars). 4 submissions from 4 submitters: Uncertain significance (2); Likely benign (2). Last evaluated 2024-04-22.

Conditions:
Hereditary cancer-predisposing syndrome. Also called: Tumor predisposition; Hereditary neoplastic syndrome; Neoplastic Syndromes, Hereditary; Hereditary Cancer Syndrome. Identifiers: Orphanet 140162, MedGen C0027672, MeSH D009386, MONDO:0015356.
Hereditary breast ovarian cancer syndrome. Also called: BRCA1- and BRCA2-Associated Hereditary Breast and Ovarian Cancer; Breast and ovarian cancer; Hereditary breast and ovarian cancer syndrome (HBOC); Hereditary breast and ovarian cancer; Hereditary breast and ovarian cancer syndrome; Hereditary breast and/or ovarian cancer syndrome. Identifiers: Orphanet 145, MedGen C0677776, MeSH D061325, MONDO:0003582. Disease mechanism: loss of function.

Allele frequency attached by ClinVar (database versions not stated): TOPMed below 0.00001; gnomAD 0.00001.
gnomAD v4.1: 1 of 1,613,494 alleles (0.000062%); highest among the groups gnomAD compares: African/African-American, 0.0013%; no homozygotes.

Submissions (4):

Labcorp Genetics (formerly Invitae), Labcorp
Classification: Uncertain significance for Hereditary breast ovarian cancer syndrome. Last evaluated: 2024-04-22. Review status: criteria provided, single submitter. Criteria: Invitae Variant Classification Sherloc (09022015). Collection method: clinical testing. Allele origin: germline.
Comment: This sequence change replaces threonine, which is neutral and polar, with isoleucine, which is neutral and non-polar, at codon 236 of the BRCA1 protein (p.Thr236Ile). This variant is not present in population databases (gnomAD no frequency). This variant has not been reported in the literature in individuals affected with BRCA1-related conditions. ClinVar contains an entry for this variant (Variation ID: 665165). Advanced modeling of protein sequence and biophysical properties (such as structural, functional, and spatial information, amino acid conservation, physicochemical variation, residue mobility, and thermodynamic stability) performed at Invitae indicates that this missense variant is not expected to disrupt BRCA1 protein function with a negative predictive value of 95%. In summary, the available evidence is currently insufficient to determine the role of this variant in disease. Therefore, it has been classified as a Variant of Uncertain Significance.

GeneDx
Classification: Uncertain significance. Last evaluated: 2023-11-20. Review status: criteria provided, single submitter. Criteria: GeneDx Variant Classification Process June 2021. Collection method: clinical testing. Allele origin: germline. Affected: yes.
Comment: Not observed at significant frequency in large population cohorts (gnomAD); In silico analysis supports that this missense variant does not alter protein structure/function; Has not been previously published as pathogenic or benign to our knowledge; Also known as 826C>T; This variant is associated with the following publications: (PMID: 20215511, 9582019, 9926942, 9788437, 29884841, 32377563)

University of Washington Department of Laboratory Medicine, University of Washington
Classification: Likely benign for Hereditary cancer-predisposing syndrome. Last evaluated: 2023-03-23. Review status: criteria provided, single submitter. Criteria: Dines et al. (Genet Med. 2020). Collection method: curation. Allele origin: germline.
Comment: Missense variant in a coldspot region where missense variants are very unlikely to be pathogenic (PMID:31911673).

BRCA1 coldspot (exon 11 using historical exon numbering). Reclassification based on statistical prior probability

Ambry Genetics
Classification: Likely benign for Hereditary cancer-predisposing syndrome. Last evaluated: 2019-05-22. Review status: criteria provided, single submitter. Criteria: Ambry Variant Classification Scheme 2023. Collection method: clinical testing. Allele origin: germline.

NM_007294.4(BRCA1):c.707C>T (p.Thr236Ile)

Gene: BRCA1 (BRCA1 DNA repair associated; minus strand). Cytogenetic location: 17q21.31.
Variant type: single nucleotide variant.
Coding change: c.707C>T on transcript NM_007294.4 (MANE Select); coding-DNA position 707, C replaced by T.
Protein change: p.Thr236Ile; replaces threonine 236 with isoleucine.
Molecular consequence: missense variant. On other transcripts: non-coding transcript variant (1).
Genome position (GRCh38, 1-based): chr17:43,094,824, G>A on the plus strand (C>T on the coding strand, the complement: BRCA1 is on the minus strand). VCF-style: chr17-43094824-G-A. GRCh37 (hg19) VCF-style: chr17-41246841-G-A.
Other names: c.629C>T, p.Thr210Ile (NM_001407653.1, NM_001407654.1, NM_001407655.1 and 9 more transcripts); c.626C>T, p.Thr209Ile (NM_001407659.1, NM_001407660.1, NM_001407661.1 and 3 more transcripts); c.584C>T, p.Thr195Ile (NM_001407681.1, NM_001407682.1, NM_001407683.1 and 34 more transcripts); c.707C>T, p.Thr236Ile (NM_001407684.1, NM_001407981.1, NM_001407982.1 and 54 more transcripts); c.581C>T, p.Thr194Ile (NM_001407685.1, NM_001407670.1, NM_001407671.1 and 20 more transcripts); c.704C>T, p.Thr235Ile (NM_001407984.1, NM_001407985.1, NM_001407986.1 and 38 more transcripts); c.698C>T, p.Thr233Ile (NM_001408408.1, NM_001407646.1, NM_001407647.1); c.566C>T, p.Thr189Ile (NM_001408410.1, NM_001408452.1, NM_001408453.1 and 43 more transcripts); and 14 more; short protein forms T236I, T189I, T124I, T165I, T168I, T191I, T194I, T195I.
Identifiers: ClinVar variation 665165 (VCV000665165.17), dbSNP rs80356990, ClinGen allele CA10600671.